The following is an entry in ClinVar:

ClinVar aggregate classification (germline): Uncertain significance. Review status: criteria provided, multiple submitters, no conflicts (2 of 4 stars). 4 submissions from 4 submitters: Uncertain significance (4). Last evaluated 2025-03-20.

Conditions:
Neuronal ceroid lipofuscinosis. Also called: Neuronal Ceroid Lipofuscinoses. Identifiers: Orphanet 216, Orphanet 79263, MedGen C0027877, MONDO:0016295. Disease mechanism: loss of function.
Inborn genetic diseases. Identifiers: MedGen C0950123, MeSH D030342.

gnomAD v4.1: 15 of 1,613,944 alleles (0.00093%); highest among the groups gnomAD compares: South Asian, 0.016%; no homozygotes.

Submissions (4):

Ambry Genetics
Classification: Uncertain significance for Inborn genetic diseases. Last evaluated: 2025-03-20. Review status: criteria provided, single submitter. Criteria: Ambry Variant Classification Scheme 2023. Collection method: clinical testing. Allele origin: germline.

Revvity Omics, Revvity
Classification: Uncertain significance. Last evaluated: 2023-10-26. Review status: criteria provided, single submitter. Criteria: ACMG Guidelines, 2015. Collection method: clinical testing. Allele origin: germline.

Labcorp Genetics (formerly Invitae), Labcorp
Classification: Uncertain significance for Neuronal ceroid lipofuscinosis. Last evaluated: 2022-06-27. Review status: criteria provided, single submitter. Criteria: Invitae Variant Classification Sherloc (09022015). Collection method: clinical testing. Allele origin: germline.
Comment: This sequence change replaces isoleucine, which is neutral and non-polar, with methionine, which is neutral and non-polar, at codon 121 of the CLN6 protein (p.Ile121Met). This variant is present in population databases (rs148547876, gnomAD 0.01%). This variant has not been reported in the literature in individuals affected with CLN6-related conditions. ClinVar contains an entry for this variant (Variation ID: 205168). Algorithms developed to predict the effect of missense changes on protein structure and function are either unavailable or do not agree on the potential impact of this missense change (SIFT: "Deleterious"; PolyPhen-2: "Benign"; Align-GVGD: "Class C0"). In summary, the available evidence is currently insufficient to determine the role of this variant in disease. Therefore, it has been classified as a Variant of Uncertain Significance.

GeneDx
Classification: Uncertain significance. Last evaluated: 2017-04-06. Review status: criteria provided, single submitter. Criteria: GeneDx Variant Classification (06012015). Collection method: clinical testing. Allele origin: germline. Affected: yes.
Comment: A variant of uncertain significance has been identified in the CLN6 gene. The I121M variant has not been published as a pathogenic variant, nor has it been reported as a benign variant to our knowledge. The I121M variant is not observed at a significant frequency in large population cohorts (Lek et al., 2016; 1000 Genomes Consortium et al., 2015; Exome Variant Server). The I121M variant is a conservative amino acid substitution, which is not likely to impact secondary protein structure as these residues share similar properties. This substitution occurs at a position where amino acids with similar properties to Isoleucine are tolerated across species. In silico analysis is inconsistent in its predictions as to whether or not the variant is damaging to the protein structure/function. Therefore, based on the currently available information, it is unclear whether this variant is a pathogenic variant or a rare benign variant. The variant is found in INFANT-EPI panel(s).

NM_017882.3(CLN6):c.363C>G (p.Ile121Met)

Gene: CLN6 (CLN6 transmembrane ER protein; minus strand). Cytogenetic location: 15q23.
Variant type: single nucleotide variant.
Coding change: c.363C>G on transcript NM_017882.3 (MANE Select); coding-DNA position 363, C replaced by G.
Protein change: p.Ile121Met; replaces isoleucine 121 with methionine.
Molecular consequence: missense variant.
Genome position (GRCh38, 1-based): chr15:68,211,798, G>C on the plus strand (C>G on the coding strand, the complement: CLN6 is on the minus strand). VCF-style: chr15-68211798-G-C. GRCh37 (hg19) VCF-style: chr15-68504136-G-C.
Other names: p.I121M:ATC>ATG; short protein forms I121M.
Identifiers: ClinVar variation 205168 (VCV000205168.7), dbSNP rs148547876, ClinGen allele CA313966.